The following is an entry in ClinVar:

NM_052989.3(IFT122):c.556C>T (p.Pro186Ser)

Gene: IFT122 (intraflagellar transport 122; plus strand). Cytogenetic location: 3q21.3.
Variant type: single nucleotide variant.
Coding change: c.556C>T on transcript NM_052989.3 (MANE Select); coding-DNA position 556, C replaced by T.
Protein change: p.Pro186Ser; replaces proline 186 with serine.
Molecular consequence: missense variant.
Genome position (GRCh38, 1-based): chr3:129,464,774, C>T. VCF-style: chr3-129464774-C-T. GRCh37 (hg19) VCF-style: chr3-129183617-C-T.
Other names: c.709C>T, p.Pro237Ser (NM_001280541.2, NM_052985.4); c.106C>T, p.Pro36Ser (NM_001280545.2, NM_001280546.2); c.556C>T, p.Pro186Ser (NM_018262.4); c.400C>T, p.Pro134Ser (NM_052990.3); short protein forms P36S, P237S, P186S, P134S.
Identifiers: ClinVar variation 1389923 (VCV001389923.6), dbSNP rs2108118912, ClinGen allele CA354472330.

ClinVar aggregate classification (germline): Uncertain significance (1 of 4 stars; one submission).

Conditions:
Cranioectodermal dysplasia 1 (CED1). Also called: LEVIN SYNDROME I. Identifiers: Orphanet 1515, MedGen C0432235, MONDO:0021093, OMIM 218330.

Submission:

Labcorp Genetics (formerly Invitae), Labcorp
Classification: Uncertain significance for Cranioectodermal dysplasia 1. Last evaluated: 2021-11-02. Review status: criteria provided, single submitter. Criteria: Invitae Variant Classification Sherloc (09022015). Collection method: clinical testing. Allele origin: germline.
Comment: This sequence change replaces proline, which is neutral and non-polar, with serine, which is neutral and polar, at codon 237 of the IFT122 protein (p.Pro237Ser). This variant is not present in population databases (gnomAD no frequency). This variant has not been reported in the literature in individuals affected with IFT122-related conditions. Algorithms developed to predict the effect of missense changes on protein structure and function are either unavailable or do not agree on the potential impact of this missense change (SIFT: "Tolerated"; PolyPhen-2: "Probably Damaging"; Align-GVGD: "Class C0"). In summary, the available evidence is currently insufficient to determine the role of this variant in disease. Therefore, it has been classified as a Variant of Uncertain Significance.